The following is an entry in ClinVar:

ClinVar aggregate classification (germline): Likely pathogenic (1 of 4 stars; one submission).

Conditions:
Deficiency of UDPglucose-hexose-1-phosphate uridylyltransferase. Also called: GALACTOSEMIA I; GALACTOSE-1-PHOSPHATE URIDYLYLTRANSFERASE DEFICIENCY; GALT deficiency; Galactosemia, classic; Transferase Deficiency Galactosemia. Identifiers: Orphanet 352, Orphanet 79239, MedGen C0268151, MONDO:0009258, OMIM 230400.

Submission:

Myriad Genetics, Inc.
Classification: Likely pathogenic for Deficiency of UDPglucose-hexose-1-phosphate uridylyltransferase. Last evaluated: 2019-12-27. Review status: criteria provided, single submitter. Criteria: Myriad Women's Health Autosomal Recessive and X-Linked Classification Criteria (2019). Collection method: clinical testing. Allele origin: unknown.
Comment: NM_000155.3(GALT):c.853A>T(K285*) is expected to be pathogenic in the context of galactosemia. This variant is predicted to lead to an abnormal or absent protein product due to the creation of a premature termination codon in GALT, a gene where loss-of-function variants are known to be pathogenic. Please note: this variant was assessed in the context of healthy population screening.

NM_000155.4(GALT):c.853A>T (p.Lys285Ter)

Gene: GALT (galactose-1-phosphate uridylyltransferase; plus strand). Cytogenetic location: 9p13.3.
Variant type: single nucleotide variant.
Coding change: c.853A>T on transcript NM_000155.4 (MANE Select); coding-DNA position 853, A replaced by T.
Protein change: p.Lys285Ter; replaces lysine 285 with a stop codon.
Molecular consequence: nonsense.
Genome position (GRCh38, 1-based): chr9:34,649,030, A>T. VCF-style: chr9-34649030-A-T. GRCh37 (hg19) VCF-style: chr9-34649027-A-T.
Other names: c.526A>T, p.Lys176Ter (NM_001258332.2); short protein forms K176*, K285*.
Identifiers: ClinVar variation 983987 (VCV000983987.3), dbSNP rs1821183505, ClinGen allele CA373284294.
Genomic context (GRCh38, chr9:34,649,030, plus strand): 5'-CAGGCTGAGAGTCAGGCTCTGATTCCAGATCTAGCCTCCATCATGAAGAAGCTCTTGACC[A>T]AGTATGACAACCTCTTTGAGACGTCCTTTCCCTACTCCATGGGCTGGCATGGTGAGGCTT-3'